The following is an entry in ClinVar:

NM_015275.3(WASHC4):c.3333G>A (p.Lys1111=)

Gene: WASHC4 (WASH complex subunit 4; plus strand). Cytogenetic location: 12q23.3.
Variant type: single nucleotide variant.
Coding change: c.3333G>A on transcript NM_015275.3 (MANE Select); coding-DNA position 3333, G replaced by A.
Protein change: p.Lys1111=; no amino-acid change (lysine 1111 retained).
Molecular consequence: synonymous variant.
Genome position (GRCh38, 1-based): chr12:105,164,286, G>A. VCF-style: chr12-105164286-G-A. GRCh37 (hg19) VCF-style: chr12-105558064-G-A.
Other names: c.3336G>A, p.Lys1112= (NM_001293640.2).
Identifiers: ClinVar variation 3058359 (VCV003058359.2), dbSNP rs1487003076, ClinGen allele CA481636344.

ClinVar aggregate classification (germline): Likely benign (0 of 4 stars; one submission).

Conditions:
WASHC4-related disorder. Also called: WASHC4-related condition.

Allele frequency attached by ClinVar (database versions not stated): gnomAD exomes below 0.00001; gnomAD 0.00001.
gnomAD v4.1: 4 of 1,613,770 alleles (0.00025%); highest among the groups gnomAD compares: Middle Eastern, 0.033%; no homozygotes.

Submission:

PreventionGenetics, part of Exact Sciences
Classification: Likely benign for WASHC4-related condition. Last evaluated: 2019-03-01. Review status: no assertion criteria provided. Collection method: clinical testing. Allele origin: germline.
Comment: This variant is classified as likely benign based on ACMG/AMP sequence variant interpretation guidelines (Richards et al. 2015 PMID: 25741868, with internal and published modifications).